The following is an entry in ClinVar:

ClinVar aggregate classification (germline): Benign/Likely benign. Review status: criteria provided, multiple submitters, no conflicts (2 of 4 stars). 4 submissions from 4 submitters: Benign (2); Likely benign (1). 1 of the submissions does not count toward it. Last evaluated 2025-09-27.

Conditions:
Capillary malformation-arteriovenous malformation syndrome. Also called: Capillary malformation-arteriovenous malformation. Identifiers: Orphanet 137667, MedGen C1842180, MONDO:0012016.
RASA1-related disorder. Also called: RASA1-related condition.

Allele frequency attached by ClinVar (database versions not stated): TOPMed 0.00001; ESP Exome Variant Server 0.00008; gnomAD exomes 0.00017 and 0.00009; gnomAD 0.00012; ExAC 0.00024.
gnomAD v4.1: 153 of 1,589,160 alleles (0.0096%); highest among the groups gnomAD compares: Non-Finnish European, 0.0037%; 1 homozygote.

Submissions (4):

Labcorp Genetics (formerly Invitae), Labcorp
Classification: Benign for Capillary malformation-arteriovenous malformation syndrome. Last evaluated: 2025-09-27. Review status: criteria provided, single submitter. Criteria: Invitae Variant Classification Sherloc (09022015). Collection method: clinical testing. Allele origin: germline.

Blueprint Genetics
Classification: Likely benign. Last evaluated: 2024-06-11. Review status: criteria provided, single submitter. Criteria: ACMG Guidelines, 2015. Collection method: clinical testing. Allele origin: germline.

ARUP Laboratories, Molecular Genetics and Genomics, ARUP Laboratories
Classification: Benign. Last evaluated: 2021-10-02. Review status: criteria provided, single submitter. Criteria: ARUP Molecular Germline Variant Investigation Process 2021. Collection method: clinical testing. Allele origin: germline.

PreventionGenetics, part of Exact Sciences
Classification: Likely benign for RASA1-related condition. Last evaluated: 2019-02-27. Review status: no assertion criteria provided. Collection method: clinical testing. Allele origin: germline. Not counted in ClinVar's aggregate classification.
Comment: This variant is classified as likely benign based on ACMG/AMP sequence variant interpretation guidelines (Richards et al. 2015 PMID: 25741868, with internal and published modifications).

NM_002890.3(RASA1):c.1332+8T>C

Genes: CCNH (cyclin H; minus strand), RASA1 (RAS p21 protein activator 1; plus strand). Cytogenetic location: 5q14.3.
Variant type: single nucleotide variant.
Coding change: c.1332+8T>C on transcript NM_002890.3 (MANE Select); 8 bases into the intron after coding-DNA position 1332, T replaced by C.
Molecular consequence: intron variant.
Genome position (GRCh38, 1-based): chr5:87,353,243, T>C. VCF-style: chr5-87353243-T-C. GRCh37 (hg19) VCF-style: chr5-86649060-T-C.
Other names: c.801+8T>C (NM_022650.3); c.934-40448A>G (NM_001364075.2).
Identifiers: ClinVar variation 701624 (VCV000701624.20), dbSNP rs376637789, ClinGen allele CA3335710.
Genomic context (GRCh38, chr5:87,353,243, plus strand): 5'-GAAAAGAACAGATTGTTGAAGGATATTATCTTAAGGAACCTGTACCAATGCAGGTCAGTG[T>C]TGCATTTCTTATTGCAATAATTAGCATTTTATTTTAAAATGCATTTTGGTGGTATGTTTT-3'